The following is an entry in ClinVar:

ClinVar aggregate classification (germline): Uncertain significance (1 of 4 stars; one submission).

Conditions:
Cardiovascular phenotype. Identifiers: MedGen CN230736.

gnomAD v4.1: 1 of 1,613,994 alleles (0.000062%); highest among the groups gnomAD compares: Non-Finnish European, 0.000085%; no homozygotes.

Submission:

Ambry Genetics
Classification: Uncertain significance for Cardiovascular phenotype. Last evaluated: 2024-07-06. Review status: criteria provided, single submitter. Criteria: Ambry Variant Classification Scheme 2023. Collection method: clinical testing. Allele origin: germline.
Comment: The p.E1064D variant (also known as c.3192G>C), located in coding exon 23 of the MYH7 gene, results from a G to C substitution at nucleotide position 3192. The glutamic acid at codon 1064 is replaced by aspartic acid, an amino acid with highly similar properties. This amino acid position is highly conserved in available vertebrate species. In addition, the in silico prediction for this alteration is inconclusive. Based on the available evidence, the clinical significance of this variant remains unclear.

NM_000257.4(MYH7):c.3192G>C (p.Glu1064Asp)

Gene: MYH7 (myosin heavy chain 7; minus strand). Cytogenetic location: 14q11.2.
Variant type: single nucleotide variant.
Coding change: c.3192G>C on transcript NM_000257.4 (MANE Select); coding-DNA position 3192, G replaced by C.
Protein change: p.Glu1064Asp; replaces glutamic acid 1064 with aspartic acid.
Molecular consequence: missense variant.
Genome position (GRCh38, 1-based): chr14:23,422,233, C>G on the plus strand (G>C on the coding strand, the complement: MYH7 is on the minus strand). VCF-style: chr14-23422233-C-G. GRCh37 (hg19) VCF-style: chr14-23891442-C-G.
Other names: c.3192G>C, p.Glu1064Asp (NM_001407004.1); short protein forms E1064D.
Identifiers: ClinVar variation 3400926 (VCV003400926.1).